The following is an entry in ClinVar:

ClinVar aggregate classification (germline): Uncertain significance (1 of 4 stars; one submission).

Conditions:
X-linked lymphoproliferative disease due to XIAP deficiency. Also called: XIAP DEFICIENCY; XIAP-Related Lymphoproliferative Disease, X-Linked. Identifiers: Orphanet 2442, Orphanet 538934, MedGen C1845076, MONDO:0010385, OMIM 300635.

Allele frequency attached by ClinVar (database versions not stated): TOPMed below 0.00001; gnomAD 0.00001; gnomAD exomes 0.00003.
gnomAD v4.1: 38 of 1,210,155 alleles (0.0031%); highest among the groups gnomAD compares: Non-Finnish European, 0.004%; no homozygotes.

Submission:

Labcorp Genetics (formerly Invitae), Labcorp
Classification: Uncertain significance for X-linked lymphoproliferative disease due to XIAP deficiency. Last evaluated: 2025-05-27. Review status: criteria provided, single submitter. Criteria: Invitae Variant Classification Sherloc (09022015). Collection method: clinical testing. Allele origin: germline.
Comment: This sequence change replaces asparagine, which is neutral and polar, with serine, which is neutral and polar, at codon 249 of the XIAP protein (p.Asn249Ser). This variant is present in population databases (no rsID available, gnomAD 0.001%), including at least one homozygous and/or hemizygous individual. This variant has not been reported in the literature in individuals affected with XIAP-related conditions. ClinVar contains an entry for this variant (Variation ID: 3005786). An algorithm developed to predict the effect of missense changes on protein structure and function outputs the following: PolyPhen-2: "Benign". The serine amino acid residue is found in multiple mammalian species, which suggests that this missense change does not adversely affect protein function. In summary, the available evidence is currently insufficient to determine the role of this variant in disease. Therefore, it has been classified as a Variant of Uncertain Significance.

NM_001167.4(XIAP):c.746A>G (p.Asn249Ser)

Gene: XIAP (X-linked inhibitor of apoptosis; plus strand). Cytogenetic location: Xq25.
Variant type: single nucleotide variant.
Coding change: c.746A>G on transcript NM_001167.4 (MANE Select); coding-DNA position 746, A replaced by G.
Protein change: p.Asn249Ser; replaces asparagine 249 with serine.
Molecular consequence: missense variant.
Genome position (GRCh38, 1-based): chrX:123,886,408, A>G. VCF-style: chrX-123886408-A-G. GRCh37 (hg19) VCF-style: chrX-123020258-A-G.
Other names: c.746A>G, p.Asn249Ser (NM_001204401.2, NM_001378590.1, NM_001378591.1 and 1 more transcripts); short protein forms N249S.
Identifiers: ClinVar variation 3005786 (VCV003005786.3), dbSNP rs1292127115, ClinGen allele CA414124428.